The following is an entry in ClinVar:

ClinVar aggregate classification (germline): Uncertain significance (1 of 4 stars; one submission).

gnomAD v4.1: 2 of 1,613,720 alleles (0.00012%); highest among the groups gnomAD compares: Non-Finnish European, 0.00017%; no homozygotes.

Submission:

CeGaT Center for Human Genetics Tuebingen
Classification: Uncertain significance. Last evaluated: 2026-08-01. Review status: criteria provided, single submitter. Criteria: CeGaT Center For Human Genetics Tuebingen Variant Classification Criteria Version 2. Collection method: clinical testing. Allele origin: germline. Affected: yes. Observed: 1 variant allele.
Comment: SHOX: PP3

NM_000451.4(SHOX):c.79G>A (p.Gly27Arg)

Gene: SHOX (SHOX homeobox; plus strand). Cytogenetic location: Xp22.33.
Variant type: single nucleotide variant.
Coding change: c.79G>A on transcript NM_000451.4 (MANE Select); coding-DNA position 79, G replaced by A.
Protein change: p.Gly27Arg; replaces glycine 27 with arginine.
Molecular consequence: missense variant.
Genome position (GRCh38, 1-based): chrX:630,976, G>A. VCF-style: chrX-630976-G-A. GRCh37 (hg19) VCF-style: chrX-591711-G-A.
Other names: c.79G>A, p.Gly27Arg (NM_006883.2); short protein forms G27R.
Identifiers: ClinVar variation 5040757 (VCV005040757.1).